The following is an entry in ClinVar:

NM_005215.4(DCC):c.1256del (p.Lys419fs)

Gene: DCC (DCC netrin 1 receptor; plus strand). Cytogenetic location: 18q21.2.
Variant type: Deletion.
Coding change: c.1256del on transcript NM_005215.4 (MANE Select); coding-DNA position 1256, one base deleted (A; older notation c.1256delA).
Protein change: p.Lys419fs; shifts the reading frame from lysine 419.
Molecular consequence: frameshift variant.
Genome position (GRCh38, 1-based): chr18:53,066,161, A deleted; the last of 2 consecutive A bases (chr18:53,066,160-53,066,161); deleting either gives the same sequence. VCF-style (leftmost placement, unchanged base first): chr18-53066159-TA-T. GRCh37 (hg19) VCF-style: chr18-50592529-TA-T.
Other names: NM_005215.4:c.1256del; short protein forms K419fs.
Identifiers: ClinVar variation 2412758 (VCV002412758.1), dbSNP rs2511644864, ClinGen allele CA2573332500.

ClinVar aggregate classification (germline): Likely pathogenic (1 of 4 stars; one submission).

Conditions:
Mirror movements 1 (MRMV1). Identifiers: Orphanet 238722, MedGen C1834870, OMIM 157600, MONDO:0008002.

Submission:

Broad Center for Mendelian Genomics, Broad Institute of MIT and Harvard
Classification: Likely pathogenic. Last evaluated: 2023-01-25. Review status: criteria provided, single submitter. Criteria: ACMG Guidelines, 2015. Collection method: curation. Allele origin: germline. Inheritance: Autosomal dominant inheritance.
Comment: The p.Lys419SerfsTer59 variant in DCC has not been previously reported in individuals with mirror movements 1 and/or agenesis of the corpus callosum. This variant was absent from large population studies. This variant is predicted to cause a frameshift, which alters the protein‚Äôs amino acid sequence beginning at position 419 and leads to a premature termination codon 59 amino acids downstream. This alteration is then predicted to lead to a truncated or absent protein. Heterozygous loss of function of the DCC gene is an established disease mechanism in mirror movements 1 and/or agenesis of the corpus callosum. In summary, although additional studies are required to fully establish its clinical significance, this variant is likely pathogenic for mirror movements 1 and/or agenesis of the corpus callosum. ACMG/AMP Criteria applied: PVS1, PM2_Supporting (Richards 2015).